The following is an entry in ClinVar:

NM_003590.5(CUL3):c.543C>T (p.Gly181=)

Gene: CUL3 (cullin 3; minus strand). Cytogenetic location: 2q36.2.
Variant type: single nucleotide variant.
Coding change: c.543C>T on transcript NM_003590.5 (MANE Select); coding-DNA position 543, C replaced by T.
Protein change: p.Gly181=; no amino-acid change (glycine 181 retained).
Molecular consequence: synonymous variant.
Genome position (GRCh38, 1-based): chr2:224,513,635, G>A on the plus strand (C>T on the coding strand, the complement: CUL3 is on the minus strand). VCF-style: chr2-224513635-G-A. GRCh37 (hg19) VCF-style: chr2-225378352-G-A.
Other names: c.345C>T, p.Gly115= (NM_001257197.2); c.561C>T, p.Gly187= (NM_001257198.2).
Identifiers: ClinVar variation 896708 (VCV000896708.9), dbSNP rs17480168, ClinGen allele CA2140165.

ClinVar aggregate classification (germline): Benign/Likely benign. Review status: criteria provided, multiple submitters, no conflicts (2 of 4 stars). 4 submissions from 4 submitters: Benign (1); Likely benign (3). Last evaluated 2026-08-01.

Conditions:
Pseudohypoaldosteronism type 2E (PHA2E). Also called: Pseudohypoaldosteronism Type IIE. Identifiers: Orphanet 300530, Orphanet 757, MedGen C3469606, MONDO:0013782, OMIM 614496.
Neurodevelopmental disorder with or without autism or seizures (NEDAUS). Identifiers: MedGen C5543225, MONDO:0030994, OMIM 619239.

Allele frequency attached by ClinVar (database versions not stated): gnomAD exomes 0.00005; ExAC 0.00006; ESP Exome Variant Server 0.00008; TOPMed 0.00010; gnomAD 0.00011.
gnomAD v4.1: 64 of 1,572,620 alleles (0.0041%); highest among the groups gnomAD compares: African/African-American, 0.021%; no homozygotes.

Submissions (4):

CeGaT Center for Human Genetics Tuebingen
Classification: Likely benign. Last evaluated: 2026-08-01. Review status: criteria provided, single submitter. Criteria: CeGaT Center For Human Genetics Tuebingen Variant Classification Criteria Version 2. Collection method: clinical testing. Allele origin: germline. Affected: yes. Observed: 1 variant allele.
Comment: CUL3: BP4, BP7

Labcorp Genetics (formerly Invitae), Labcorp
Classification: Likely benign. Last evaluated: 2025-06-20. Review status: criteria provided, single submitter. Criteria: Invitae Variant Classification Sherloc (09022015). Collection method: clinical testing. Allele origin: germline.

Fulgent Genetics
Classification: Likely benign for Pseudohypoaldosteronism type 2E; Neurodevelopmental disorder with or without autism or seizures. Last evaluated: 2021-12-14. Review status: criteria provided, single submitter. Criteria: ACMG Guidelines, 2015. Collection method: clinical testing. Allele origin: unknown.

Illumina Laboratory Services, Illumina
Classification: Benign for Pseudohypoaldosteronism type 2E. Last evaluated: 2018-01-12. Review status: criteria provided, single submitter. Criteria: ICSL Variant Classification Criteria 13 December 2019. Collection method: clinical testing. Allele origin: germline.
Comment: This variant was observed in the ICSL laboratory as part of a predisposition screen in an ostensibly healthy population. It had not been previously curated by ICSL or reported in the Human Gene Mutation Database (HGMD: prior to June 1st, 2018), and was therefore a candidate for classification through an automated scoring system. Utilizing variant allele frequency, disease prevalence and penetrance estimates, and inheritance mode, an automated score was calculated to assess if this variant is too frequent to cause the disease. Based on the score and internal cut-off values, a variant classified as benign is not then subjected to further curation. The score for this variant resulted in a classification of benign for this disease.